The following is an entry in ClinVar:

ClinVar aggregate classification (germline): Uncertain significance. Review status: criteria provided, multiple submitters, no conflicts (2 of 4 stars). 2 submissions from 2 submitters: Uncertain significance (2). Last evaluated 2025-07-31.

Allele frequency attached by ClinVar (database versions not stated): gnomAD exomes below 0.00001; gnomAD 0.00001.
gnomAD v4.1: 2 of 1,599,426 alleles (0.00013%); highest among the groups gnomAD compares: African/African-American, 0.0013%; no homozygotes.

Submissions (2):

Ambry Genetics
Classification: Uncertain significance. Last evaluated: 2025-07-31. Review status: criteria provided, single submitter. Criteria: Ambry Variant Classification Scheme 2023. Collection method: clinical testing. Allele origin: germline.

Labcorp Genetics (formerly Invitae), Labcorp
Classification: Uncertain significance. Last evaluated: 2024-10-22. Review status: criteria provided, single submitter. Criteria: Invitae Variant Classification Sherloc (09022015). Collection method: clinical testing. Allele origin: germline.
Comment: This sequence change replaces asparagine, which is neutral and polar, with serine, which is neutral and polar, at codon 242 of the MCM4 protein (p.Asn242Ser). This variant is present in population databases (no rsID available, gnomAD 0.01%). This variant has not been reported in the literature in individuals affected with MCM4-related conditions. Invitae Evidence Modeling of protein sequence and biophysical properties (such as structural, functional, and spatial information, amino acid conservation, physicochemical variation, residue mobility, and thermodynamic stability) indicates that this missense variant is not expected to disrupt MCM4 protein function with a negative predictive value of 80%. In summary, the available evidence is currently insufficient to determine the role of this variant in disease. Therefore, it has been classified as a Variant of Uncertain Significance.

NM_182746.3(MCM4):c.725A>G (p.Asn242Ser)

Gene: MCM4 (minichromosome maintenance complex component 4; plus strand). Cytogenetic location: 8q11.21.
Variant type: single nucleotide variant.
Coding change: c.725A>G on transcript NM_182746.3 (MANE Select); coding-DNA position 725, A replaced by G.
Protein change: p.Asn242Ser; replaces asparagine 242 with serine.
Molecular consequence: missense variant.
Genome position (GRCh38, 1-based): chr8:47,964,605, A>G. VCF-style: chr8-47964605-A-G. GRCh37 (hg19) VCF-style: chr8-48877165-A-G.
Other names: c.725A>G (NM_005914.3); c.725A>G, p.Asn242Ser (NM_005914.4); short protein forms N242S.
Identifiers: ClinVar variation 2963719 (VCV002963719.4), dbSNP rs1164178301, ClinGen allele CA371147780.